The following is an entry in ClinVar:

ClinVar aggregate classification (germline): Uncertain significance (1 of 4 stars; one submission).

gnomAD v4.1: 1 of 1,613,716 alleles (0.000062%); highest among the groups gnomAD compares: Middle Eastern, 0.017%; no homozygotes.

Submission:

GeneDx
Classification: Uncertain significance. Last evaluated: 2022-01-06. Review status: criteria provided, single submitter. Criteria: GeneDx Variant Classification Process June 2021. Collection method: clinical testing. Allele origin: germline. Affected: yes.
Comment: Not observed at significant frequency in large population cohorts (gnomAD); In silico analysis supports that this missense variant does not alter protein structure/function; Has not been previously published as pathogenic or benign to our knowledge

NM_032108.4(SEMA6B):c.1252A>T (p.Ile418Phe)

Gene: SEMA6B (semaphorin 6B; minus strand). Cytogenetic location: 19p13.3.
Variant type: single nucleotide variant.
Coding change: c.1252A>T on transcript NM_032108.4 (MANE Select); coding-DNA position 1252, A replaced by T.
Protein change: p.Ile418Phe; replaces isoleucine 418 with phenylalanine.
Molecular consequence: missense variant.
Genome position (GRCh38, 1-based): chr19:4,550,142, T>A on the plus strand (A>T on the coding strand, the complement: SEMA6B is on the minus strand). VCF-style: chr19-4550142-T-A. GRCh37 (hg19) VCF-style: chr19-4550154-T-A.
Other names: short protein forms I418F.
Identifiers: ClinVar variation 1695568 (VCV001695568.2), dbSNP rs775822320, ClinGen allele CA403464911.